The following is an entry in ClinVar:

NM_000230.3(LEP):c.328G>A (p.Val110Met)

Gene: LEP (leptin; plus strand). Cytogenetic location: 7q32.1.
Variant type: single nucleotide variant.
Coding change: c.328G>A on transcript NM_000230.3 (MANE Select); coding-DNA position 328, G replaced by A.
Protein change: p.Val110Met; replaces valine 110 with methionine.
Molecular consequence: missense variant.
Genome position (GRCh38, 1-based): chr7:128,254,587, G>A. VCF-style: chr7-128254587-G-A. GRCh37 (hg19) VCF-style: chr7-127894640-G-A.
Other names: c.328G>A (NM_000230.2); short protein forms V110M.
Identifiers: ClinVar variation 2136611 (VCV002136611.7), dbSNP rs1800564, ClinGen allele CA4469698.
Genomic context (GRCh38, chr7:128,254,587, plus strand): 5'-CCTTCCAGAAACGTGATCCAAATATCCAACGACCTGGAGAACCTCCGGGATCTTCTTCAC[G>A]TGCTGGCCTTCTCTAAGAGCTGCCACTTGCCCTGGGCCAGTGGCCTGGAGACCTTGGACA-3'
Protein context (NP_000221.1, residues 100-120): DLENLRDLLH[Val110Met]LAFSKSCHLP

ClinVar aggregate classification (germline): Uncertain significance. Review status: criteria provided, multiple submitters, no conflicts (2 of 4 stars). 2 submissions from 2 submitters: Uncertain significance (2). Last evaluated 2026-08-11.

Conditions:
LEP-related disorder. Also called: LEP-related condition.

Allele frequency attached by ClinVar (database versions not stated): gnomAD exomes 0.00015; ESP Exome Variant Server 0.00023; TOPMed 0.00011; gnomAD 0.00015.
gnomAD v4.1: 246 of 1,614,044 alleles (0.015%); highest among the groups gnomAD compares: Non-Finnish European, 0.016%; no homozygotes.

Submissions (2):

PreventionGenetics, part of Exact Sciences
Classification: Uncertain significance for LEP-related condition. Last evaluated: 2026-08-11. Review status: criteria provided, single submitter. Criteria: ACMG Guidelines, 2015. Collection method: clinical testing. Allele origin: germline.
Comment: The LEP c.328G>A variant is predicted to result in the amino acid substitution p.Val110Met. This variant has been reported in the heterozygous state in an individual with obesity and a low serum leptin level (Karvonen et al. 1998. PubMed ID: 9745435). This variant has also been observed in the heterozygous state in a control individual of normal weight (Echwald et al. 1997. PubMed ID: 9130031), and in the gnomAD database, it is reported in 0.036% of alleles in individuals of European (Finnish). Experimental studies suggest this variant does not impact protein function (Baird et al. 2024. PubMed ID: 39002670). At this time, the clinical significance of this variant is uncertain due to the absence of conclusive functional and genetic evidence.

Labcorp Genetics (formerly Invitae), Labcorp
Classification: Uncertain significance. Last evaluated: 2026-01-12. Review status: criteria provided, single submitter. Criteria: Invitae Variant Classification Sherloc (09022015). Collection method: clinical testing. Allele origin: germline.
Comment: This sequence change replaces valine, which is neutral and non-polar, with methionine, which is neutral and non-polar, at codon 110 of the LEP protein (p.Val110Met). This variant is present in population databases (rs1800564, gnomAD 0.03%). This missense change has been observed in individual(s) with obesity (PMID: 9745435, 37327085, 39002670). ClinVar contains an entry for this variant (Variation ID: 2136611). An algorithm developed to predict the effect of missense changes on protein structure and function outputs the following: PolyPhen-2: "Benign". The methionine amino acid residue is found in multiple mammalian species, which suggests that this missense change does not adversely affect protein function. In summary, the available evidence is currently insufficient to determine the role of this variant in disease. Therefore, it has been classified as a Variant of Uncertain Significance.

Literature cited by the submitters: PubMed 9745435 (cited by Labcorp Genetics (formerly Invitae), Labcorp); PubMed 37327085 (cited by Labcorp Genetics (formerly Invitae), Labcorp); PubMed 39002670 (cited by Labcorp Genetics (formerly Invitae), Labcorp).